The following is an entry in ClinVar:

ClinVar aggregate classification (germline): Uncertain significance (1 of 4 stars; one submission).

Submission:

GeneDx
Classification: Uncertain significance. Last evaluated: 2023-04-24. Review status: criteria provided, single submitter. Criteria: GeneDx Variant Classification Process June 2021. Collection method: clinical testing. Allele origin: germline. Affected: yes.
Comment: Not observed at significant frequency in large population cohorts (gnomAD); In silico analysis supports that this missense variant does not alter protein structure/function; Has not been previously published as pathogenic or benign to our knowledge

NM_018489.3(ASH1L):c.632A>G (p.Asn211Ser)

Gene: ASH1L (ASH1 like histone lysine methyltransferase; minus strand). Cytogenetic location: 1q22.
Variant type: single nucleotide variant.
Coding change: c.632A>G on transcript NM_018489.3 (MANE Select); coding-DNA position 632, A replaced by G.
Protein change: p.Asn211Ser; replaces asparagine 211 with serine.
Molecular consequence: missense variant.
Genome position (GRCh38, 1-based): chr1:155,482,238, T>C on the plus strand (A>G on the coding strand, the complement: ASH1L is on the minus strand). VCF-style: chr1-155482238-T-C. GRCh37 (hg19) VCF-style: chr1-155452029-T-C.
Other names: c.632A>G, p.Asn211Ser (NM_001366177.2); short protein forms N211S.
Identifiers: ClinVar variation 2662745 (VCV002662745.1), dbSNP rs2527208504, ClinGen allele CA342744605.